The following is an entry in ClinVar:

NM_000051.4(ATM):c.1051G>C (p.Asp351His)

Gene: ATM (ATM serine/threonine kinase; plus strand). Cytogenetic location: 11q22.3.
Variant type: single nucleotide variant.
Coding change: c.1051G>C on transcript NM_000051.4 (MANE Select); coding-DNA position 1051, G replaced by C.
Protein change: p.Asp351His; replaces aspartic acid 351 with histidine.
Molecular consequence: missense variant.
Genome position (GRCh38, 1-based): chr11:108,247,113, G>C. VCF-style: chr11-108247113-G-C. GRCh37 (hg19) VCF-style: chr11-108117840-G-C.
Other names: c.1051G>C, p.Asp351His (NM_001351834.2); short protein forms D351H.
Identifiers: ClinVar variation 246312 (VCV000246312.11), dbSNP rs876659092, ClinGen allele CA10584319.
Genomic context (GRCh38, chr11:108,247,113, plus strand): 5'-AAGTATTCTTCAGGATTTCGTAATATTGCCGTCAAAGAAAATTTGATTGAATTGATGGCA[G>C]ATATCTGTCACCAGGTACAGTAAGTAGGTCATGTCACATTTAGAAATTTCCTGTTAATTT-3'
Protein context (NP_000042.3, residues 341-361): VKENLIELMA[Asp351His]ICHQVFNEDT

ClinVar aggregate classification (germline): Uncertain significance. Review status: criteria provided, multiple submitters, no conflicts (2 of 4 stars). 2 submissions from 2 submitters: Uncertain significance (2). Last evaluated 2023-09-26.

Conditions:
Ataxia-telangiectasia syndrome (AT). Also called: Cerebello-oculocutaneous telangiectasia; Immunodeficiency with ataxia telangiectasia; Ataxia-telangiectasia; Ataxia telangiectasia (A-T); LOUIS-BAR SYNDROME; Ataxia-telangiectasia, complementation group D. Identifiers: Orphanet 100, MedGen C0004135, MONDO:0008840, OMIM 208900.

Submissions (2):

Labcorp Genetics (formerly Invitae), Labcorp
Classification: Uncertain significance for Ataxia-telangiectasia syndrome. Last evaluated: 2023-09-26. Review status: criteria provided, single submitter. Criteria: Invitae Variant Classification Sherloc (09022015). Collection method: clinical testing. Allele origin: germline.
Comment: In summary, the available evidence is currently insufficient to determine the role of this variant in disease. Therefore, it has been classified as a Variant of Uncertain Significance. An algorithm developed to predict the effect of missense changes on protein structure and function (PolyPhen-2) suggests that this variant is likely to be disruptive. ClinVar contains an entry for this variant (Variation ID: 246312). This variant has not been reported in the literature in individuals affected with ATM-related conditions. This variant is not present in population databases (gnomAD no frequency). This sequence change replaces aspartic acid, which is acidic and polar, with histidine, which is basic and polar, at codon 351 of the ATM protein (p.Asp351His).

GeneDx
Classification: Uncertain significance. Last evaluated: 2016-01-08. Review status: criteria provided, single submitter. Criteria: GeneDx Variant Classification (06012015). Collection method: clinical testing. Allele origin: germline. Affected: yes.
Comment: This variant is denoted ATM c.1051G>C at the cDNA level, p.Asp351His (D351H) at the protein level, and results in the change of an Aspartic Acid to a Histidine (GAT>CAT). This variant has not, to our knowledge, been published in the literature as pathogenic or benign. ATM Asp351His was not observed in approximately 6,500 individuals of European and African American ancestry in the NHLBI Exome Sequencing Project, suggesting it is not a common benign variant in these populations. Since Aspartic Acid and Histidine differ in polarity, charge, size or other properties, this is considered a non-conservative amino acid substitution. ATM Asp351His occurs at a position that is conserved across species and is not located in a known functional domain (Stracker 2013). In silico analyses are inconsistent regarding the effect this variant may have on protein structure and function. Based on currently available evidence, it is unclear whether ATM Asp351His is a pathogenic or benign variant. We consider it to be a variant of uncertain significance.